The following is an entry in ClinVar:

ClinVar aggregate classification (germline): Uncertain significance (1 of 4 stars; one submission).

Submission:

Ambry Genetics
Classification: Uncertain significance. Last evaluated: 2021-10-27. Review status: criteria provided, single submitter. Criteria: Ambry Variant Classification Scheme 2023. Collection method: clinical testing. Allele origin: germline.
Comment: The p.I1421V variant (also known as c.4261A>G), located in coding exon 16 of the POLQ gene, results from an A to G substitution at nucleotide position 4261. The isoleucine at codon 1421 is replaced by valine, an amino acid with highly similar properties. This amino acid position is conserved. In addition, this alteration is predicted to be tolerated by in silico analysis. Since supporting evidence is limited at this time, the clinical significance of this alteration remains unclear.

NM_199420.4(POLQ):c.4261A>G (p.Ile1421Val)

Gene: POLQ (DNA polymerase theta; minus strand). Cytogenetic location: 3q13.33.
Variant type: single nucleotide variant.
Coding change: c.4261A>G on transcript NM_199420.4 (MANE Select); coding-DNA position 4261, A replaced by G.
Protein change: p.Ile1421Val; replaces isoleucine 1421 with valine.
Molecular consequence: missense variant.
Genome position (GRCh38, 1-based): chr3:121,488,670, T>C on the plus strand (A>G on the coding strand, the complement: POLQ is on the minus strand). VCF-style: chr3-121488670-T-C. GRCh37 (hg19) VCF-style: chr3-121207517-T-C.
Other names: short protein forms I1421V.
Identifiers: ClinVar variation 1739174 (VCV001739174.2), dbSNP rs2546786083, ClinGen allele CA354095577.
Genomic context (GRCh38, chr3:121,488,670, plus strand): 5'-GTGAATCAGTAACAGAAACTTCATTCTTTTTTAAAAAAAGACCATTTTCCTCCAATAGTA[T>C]TGGAGAATGGAAAATCGGGCTTTCTGGAGTCAGGATATCAACCCCATGTGAATCACTGCT-3'
Protein context (NP_955452.3, residues 1411-1431): TPESPIFHSP[Ile1421Val]LLEENGLFLK